The following is an entry in ClinVar:

NM_003482.4(KMT2D):c.8813C>T (p.Pro2938Leu)

Gene: KMT2D (lysine methyltransferase 2D; minus strand). Cytogenetic location: 12q13.12.
Variant type: single nucleotide variant.
Coding change: c.8813C>T on transcript NM_003482.4 (MANE Select); coding-DNA position 8813, C replaced by T.
Protein change: p.Pro2938Leu; replaces proline 2938 with leucine.
Molecular consequence: missense variant.
Genome position (GRCh38, 1-based): chr12:49,038,543, G>A on the plus strand (C>T on the coding strand, the complement: KMT2D is on the minus strand). VCF-style: chr12-49038543-G-A. GRCh37 (hg19) VCF-style: chr12-49432326-G-A.
Other names: short protein forms P2938L.
Identifiers: ClinVar variation 309039 (VCV000309039.16), dbSNP rs142395705, ClinGen allele CA6546789.

ClinVar aggregate classification (germline): Benign/Likely benign. Review status: criteria provided, multiple submitters, no conflicts (2 of 4 stars). 5 submissions from 5 submitters: Benign (3); Likely benign (1). 1 of the submissions does not count toward it. Last evaluated 2026-01-12.

Conditions:
Choanal atresia-athelia-hypothyroidism-delayed puberty-short stature syndrome (BCAHH). Also called: BRANCHIAL ARCH ABNORMALITIES, CHOANAL ATRESIA, ATHELIA, HEARING LOSS, AND HYPOTHYROIDISM SYNDROME. Identifiers: Orphanet 589856, MedGen C5680310, MONDO:0035651, OMIM 620186.
Kabuki syndrome 1 (KABUK1). Also called: KMT2D-Related Kabuki Syndrome. Identifiers: Orphanet 2322, MedGen CN030661, MONDO:0007843, OMIM 147920.
Kabuki syndrome. Also called: NIIKAWA-KUROKI SYNDROME; Kabuki make-up syndrome. Identifiers: Orphanet 2322, MedGen C0796004, MONDO:0016512.
KMT2D-related disorder. Also called: KMT2D-Related Disorders.

Allele frequency attached by ClinVar (database versions not stated): ESP Exome Variant Server 0.00008; gnomAD 0.00011 and 0.00015; TOPMed 0.00011; gnomAD exomes 0.00015 and 0.00024; 1000 Genomes Project 30x 0.00016; ExAC 0.00016; 1000 Genomes Project 0.00020.
gnomAD v4.1: 359 of 1,611,490 alleles (0.022%); highest among the groups gnomAD compares: East Asian, 0.38%; 2 homozygotes.

Submissions (5):

Labcorp Genetics (formerly Invitae), Labcorp
Classification: Benign for Kabuki syndrome. Last evaluated: 2026-01-12. Review status: criteria provided, single submitter. Criteria: Invitae Variant Classification Sherloc (09022015). Collection method: clinical testing. Allele origin: germline.

Blueprint Genetics
Classification: Likely benign. Last evaluated: 2024-03-29. Review status: criteria provided, single submitter. Criteria: ACMG Guidelines, 2015. Collection method: clinical testing. Allele origin: germline.

Department of Pathology and Laboratory Medicine, Sinai Health System
Classification: Benign for Kabuki syndrome 1; Choanal atresia-athelia-hypothyroidism-delayed puberty-short stature syndrome. Last evaluated: 2021-07-30. Review status: criteria provided, single submitter. Criteria: ACMG Guidelines, 2015. Collection method: research. Allele origin: germline.

GeneDx
Classification: Benign. Last evaluated: 2020-12-30. Review status: criteria provided, single submitter. Criteria: GeneDx Variant Classification Process June 2021. Collection method: clinical testing. Allele origin: germline. Affected: yes.
Comment: This variant is associated with the following publications: (PMID: 30459467)

PreventionGenetics, part of Exact Sciences
Classification: Likely benign for KMT2D-related condition. Last evaluated: 2022-04-07. Review status: no assertion criteria provided. Collection method: clinical testing. Allele origin: germline. Not counted in ClinVar's aggregate classification.
Comment: This variant is classified as likely benign based on ACMG/AMP sequence variant interpretation guidelines (Richards et al. 2015 PMID: 25741868, with internal and published modifications).